The following is an entry in ClinVar:

ClinVar aggregate classification (germline): Uncertain significance (1 of 4 stars; one submission).

Submission:

Ambry Genetics
Classification: Uncertain significance. Last evaluated: 2021-07-29. Review status: criteria provided, single submitter. Criteria: Ambry Variant Classification Scheme 2023. Collection method: clinical testing. Allele origin: germline.
Comment: The p.P345R variant (also known as c.1034C>G), located in coding exon 7 of the POLQ gene, results from a C to G substitution at nucleotide position 1034. The proline at codon 345 is replaced by arginine, an amino acid with dissimilar properties. This amino acid position is conserved. In addition, the in silico prediction for this alteration is inconclusive. Since supporting evidence is limited at this time, the clinical significance of this alteration remains unclear.

NM_199420.4(POLQ):c.1034C>G (p.Pro345Arg)

Gene: POLQ (DNA polymerase theta; minus strand). Cytogenetic location: 3q13.33.
Variant type: single nucleotide variant.
Coding change: c.1034C>G on transcript NM_199420.4 (MANE Select); coding-DNA position 1034, C replaced by G.
Protein change: p.Pro345Arg; replaces proline 345 with arginine.
Molecular consequence: missense variant.
Genome position (GRCh38, 1-based): chr3:121,529,719, G>C on the plus strand (C>G on the coding strand, the complement: POLQ is on the minus strand). VCF-style: chr3-121529719-G-C. GRCh37 (hg19) VCF-style: chr3-121248566-G-C.
Other names: short protein forms P345R.
Identifiers: ClinVar variation 1772075 (VCV001772075.2), dbSNP rs2048397420, ClinGen allele CA354124594.